The following is an entry in ClinVar:

ClinVar aggregate classification (germline): Uncertain significance. Review status: criteria provided, multiple submitters, no conflicts (2 of 4 stars). 3 submissions from 3 submitters: Uncertain significance (3). Last evaluated 2025-10-28.

Conditions:
Inborn genetic diseases. Identifiers: MedGen C0950123, MeSH D030342.

Allele frequency attached by ClinVar (database versions not stated): gnomAD exomes 0.00002; TOPMed 0.00002; ExAC 0.00002; gnomAD 0.00003.
gnomAD v4.1: 31 of 1,613,982 alleles (0.0019%); highest among the groups gnomAD compares: Non-Finnish European, 0.0025%; no homozygotes.

Submissions (3):

Ambry Genetics
Classification: Uncertain significance for Inborn genetic diseases. Last evaluated: 2025-10-28. Review status: criteria provided, single submitter. Criteria: Ambry Variant Classification Scheme 2023. Collection method: clinical testing. Allele origin: germline.

GeneDx
Classification: Uncertain significance. Last evaluated: 2024-10-09. Review status: criteria provided, single submitter. Criteria: GeneDx Variant Classification Process June 2021. Collection method: clinical testing. Allele origin: germline.
Comment: In silico analysis supports that this missense variant has a deleterious effect on protein structure/function; Has not been previously published as pathogenic or benign to our knowledge

Laboratory for Molecular Medicine, Mass General Brigham Personalized Medicine
Classification: Uncertain significance. Last evaluated: 2018-04-11. Review status: criteria provided, single submitter. Criteria: LMM Criteria. Collection method: clinical testing. Allele origin: germline. Observed: 2 variant alleles.
Comment: The p.Phe190Leu varian t has been identified in 1/15304 of African chromosomes and 3/111694 European ch romosomes by the Exome Aggregation Consortium (ExAC. org; dbSNP rs149813580). Computational prediction tools and conservation analysi s suggest that the p.Phe190Leu variant may impact the protein, though this infor mation is not predictive enough to determine pathogenicity. In summary, the clin ical significance of the p.Phe190Leu variant is uncertain. ACMG/AMP Criteria app lied: PM2, PP3.

NM_017433.5(MYO3A):c.568T>C (p.Phe190Leu)

Gene: MYO3A (myosin IIIA; plus strand). Cytogenetic location: 10p12.1.
Variant type: single nucleotide variant.
Coding change: c.568T>C on transcript NM_017433.5 (MANE Select); coding-DNA position 568, T replaced by C.
Protein change: p.Phe190Leu; replaces phenylalanine 190 with leucine.
Molecular consequence: missense variant.
Genome position (GRCh38, 1-based): chr10:26,016,879, T>C. VCF-style: chr10-26016879-T-C. GRCh37 (hg19) VCF-style: chr10-26305808-T-C.
Other names: c.568T>C, p.Phe190Leu (NM_001368265.1); short protein forms F190L.
Identifiers: ClinVar variation 179153 (VCV000179153.7), dbSNP rs727504671, ClinGen allele CA183822.